The following is an entry in ClinVar:

ClinVar aggregate classification (germline): Uncertain significance (1 of 4 stars; one submission).

Allele frequency attached by ClinVar (database versions not stated): gnomAD exomes below 0.00001.
gnomAD v4.1: 1 of 1,613,052 alleles (0.000062%); no homozygotes.

Submission:

Labcorp Genetics (formerly Invitae), Labcorp
Classification: Uncertain significance. Last evaluated: 2022-11-03. Review status: criteria provided, single submitter. Criteria: Invitae Variant Classification Sherloc (09022015). Collection method: clinical testing. Allele origin: germline.
Comment: In summary, the available evidence is currently insufficient to determine the role of this variant in disease. Therefore, it has been classified as a Variant of Uncertain Significance. This variant has not been reported in the literature in individuals affected with OR2W3-related conditions. This variant is not present in population databases (gnomAD no frequency). This sequence change affects codon 281 of the OR2W3 mRNA. It is a 'silent' change, meaning that it does not change the encoded amino acid sequence of the OR2W3 protein.

NM_001001957.2(OR2W3):c.843C>T (p.Val281=)

Gene: OR2W3 (olfactory receptor family 2 subfamily W member 3; plus strand). Cytogenetic location: 1q44.
Variant type: single nucleotide variant.
Coding change: c.843C>T on transcript NM_001001957.2 (MANE Select); coding-DNA position 843, C replaced by T.
Protein change: p.Val281=; no amino-acid change (valine 281 retained).
Molecular consequence: synonymous variant.
Genome position (GRCh38, 1-based): chr1:247,896,429, C>T. VCF-style: chr1-247896429-C-T. GRCh37 (hg19) VCF-style: chr1-248059731-C-T.
Identifiers: ClinVar variation 2796506 (VCV002796506.3), dbSNP rs1016228378, ClinGen allele CA40764949.